The following is an entry in ClinVar:

ClinVar aggregate classification (germline): Uncertain significance (1 of 4 stars; one submission).

Conditions:
Malignant hyperthermia, susceptibility to, 1 (MHS1). Also called: RYR1-Related Malignant Hyperthermia Susceptibility; Malignant hyperthermia suceptibility 1; Anesthesia related hyperthermia; Malignant hyperpyrexia; Fulminating hyperpyrexia; Pharmacogenic myopathy. Identifiers: Orphanet 423, MedGen C2930980, MONDO:0007783, OMIM 145600.

gnomAD v4.1: 10 of 1,614,130 alleles (0.00062%); highest among the groups gnomAD compares: African/African-American, 0.0013%; no homozygotes.

Submission:

Color Diagnostics, LLC DBA Color Health
Classification: Uncertain significance for Malignant hyperthermia, susceptibility to, 1. Last evaluated: 2025-07-08. Review status: criteria provided, single submitter. Criteria: ACMG Guidelines, 2015. Collection method: clinical testing. Allele origin: germline.
Comment: This missense variant replaces asparagine with aspartic acid at codon 899 of the RYR1 protein. Computational prediction is inconclusive regarding the impact of this variant on protein structure and function. To our knowledge, functional studies have not been reported for this variant. This variant has not been reported in individuals affected with RYR1-related disorders in the literature. This variant has not been identified in the general population by the Genome Aggregation Database (gnomAD). The available evidence is insufficient to determine the role of this variant in disease conclusively. Therefore, this variant is classified as a Variant of Uncertain Significance.

NM_000540.3(RYR1):c.2695A>G (p.Asn899Asp)

Gene: RYR1 (ryanodine receptor 1; plus strand). Cytogenetic location: 19q13.2.
Variant type: single nucleotide variant.
Coding change: c.2695A>G on transcript NM_000540.3 (MANE Select); coding-DNA position 2695, A replaced by G.
Protein change: p.Asn899Asp; replaces asparagine 899 with aspartic acid.
Molecular consequence: missense variant.
Genome position (GRCh38, 1-based): chr19:38,463,759, A>G. VCF-style: chr19-38463759-A-G. GRCh37 (hg19) VCF-style: chr19-38954399-A-G.
Other names: c.2695A>G, p.Asn899Asp (NM_001042723.2); short protein forms N899D.
Identifiers: ClinVar variation 4758516 (VCV004758516.1).